The following is an entry in ClinVar:

NM_015425.6(POLR1A):c.64G>A (p.Ala22Thr)

Genes: POLR1A (RNA polymerase I subunit A; minus strand), LOC129934243 (ATAC-STARR-seq lymphoblastoid active region 16153; plus strand). Cytogenetic location: 2p11.2.
Variant type: single nucleotide variant.
Coding change: c.64G>A on transcript NM_015425.6 (MANE Select); coding-DNA position 64, G replaced by A.
Protein change: p.Ala22Thr; replaces alanine 22 with threonine.
Molecular consequence: missense variant.
Genome position (GRCh38, 1-based): chr2:86,105,713, C>T on the plus strand (G>A on the coding strand, the complement: POLR1A is on the minus strand). VCF-style: chr2-86105713-C-T. GRCh37 (hg19) VCF-style: chr2-86332836-C-T.
Other names: short protein forms A22T.
Identifiers: ClinVar variation 4628152 (VCV004628152.2).

ClinVar aggregate classification (germline): Uncertain significance. Review status: criteria provided, multiple submitters, no conflicts (2 of 4 stars). 2 submissions from 2 submitters: Uncertain significance (2). Last evaluated 2025-10-23.

Conditions:
Inborn genetic diseases. Identifiers: MedGen C0950123, MeSH D030342.

gnomAD v4.1: 24 of 1,613,100 alleles (0.0015%); highest among the groups gnomAD compares: Non-Finnish European, 0.0019%; no homozygotes.

Submissions (2):

Ambry Genetics
Classification: Uncertain significance for Inborn genetic diseases. Last evaluated: 2025-10-23. Review status: criteria provided, single submitter. Criteria: Ambry Variant Classification Scheme 2023. Collection method: clinical testing. Allele origin: germline.

Labcorp Genetics (formerly Invitae), Labcorp
Classification: Uncertain significance. Last evaluated: 2025-10-11. Review status: criteria provided, single submitter. Criteria: Invitae Variant Classification Sherloc (09022015). Collection method: clinical testing. Allele origin: germline.
Comment: This sequence change replaces alanine, which is neutral and non-polar, with threonine, which is neutral and polar, at codon 22 of the POLR1A protein (p.Ala22Thr). This variant is not present in population databases (gnomAD no frequency). This variant has not been reported in the literature in individuals affected with POLR1A-related conditions. Invitae Evidence Modeling of protein sequence and biophysical properties (such as structural, functional, and spatial information, amino acid conservation, physicochemical variation, residue mobility, and thermodynamic stability) indicates that this missense variant is not expected to disrupt POLR1A protein function with a negative predictive value of 80%. In summary, the available evidence is currently insufficient to determine the role of this variant in disease. Therefore, it has been classified as a Variant of Uncertain Significance.